The following is an entry in ClinVar:

ClinVar aggregate classification (germline): Uncertain significance (1 of 4 stars; one submission).

Conditions:
Hypertrophic cardiomyopathy. Also called: HYPERTROPHIC MYOCARDIOPATHY. Identifiers: Orphanet 217569, MedGen C0007194, MeSH D002312, MONDO:0005045, HP:0001639.

gnomAD v4.1: 1 of 1,517,868 alleles (0.000066%); highest among the groups gnomAD compares: Non-Finnish European, 0.000088%; no homozygotes.

Submission:

All of Us Research Program, National Institutes of Health
Classification: Uncertain significance for Hypertrophic cardiomyopathy. Last evaluated: 2024-06-09. Review status: criteria provided, single submitter. Criteria: ACMG Guidelines, 2015. Collection method: clinical testing. Allele origin: germline. Inheritance: Autosomal dominant inheritance. Observed: 1 variant allele, 1 heterozygote.
Comment: This missense variant replaces proline with threonine at codon 869 of the MYBPC3 protein. Computational prediction tools indicate that this variant has a neutral impact on protein structure and function. To our knowledge, functional studies have not been reported for this variant. This variant has been reported in one individual affected with hypertrophic cardiomyopathy (PMID: 25351510). This variant has not been identified in the general population by the Genome Aggregation Database (gnomAD). The available evidence is insufficient to determine the role of this variant in disease conclusively. Therefore, this variant is classified as a Variant of Uncertain Significance.

This study involves interpretation of variants in research participants for the purpose of population health screening. Participant phenotype was not available at the time of variant classification. Additional details can be found in publication PMID: 35346344, PMCID: PMC8962531

Literature cited by the submitters: PubMed 25351510.

NM_000256.3(MYBPC3):c.2605C>A (p.Pro869Thr)

Gene: MYBPC3 (myosin binding protein C3; minus strand). Cytogenetic location: 11p11.2.
Variant type: single nucleotide variant.
Coding change: c.2605C>A on transcript NM_000256.3 (MANE Select); coding-DNA position 2605, C replaced by A.
Protein change: p.Pro869Thr; replaces proline 869 with threonine.
Molecular consequence: missense variant.
Genome position (GRCh38, 1-based): chr11:47,336,009, G>T on the plus strand (C>A on the coding strand, the complement: MYBPC3 is on the minus strand). VCF-style: chr11-47336009-G-T. GRCh37 (hg19) VCF-style: chr11-47357560-G-T.
Other names: short protein forms P869T.
Identifiers: ClinVar variation 3387107 (VCV003387107.1).